The following is an entry in ClinVar:

NM_000179.3(MSH6):c.1187T>A (p.Leu396His)

Gene: MSH6 (mutS homolog 6; plus strand). Cytogenetic location: 2p16.3.
Variant type: single nucleotide variant.
Coding change: c.1187T>A on transcript NM_000179.3 (MANE Select); coding-DNA position 1187, T replaced by A.
Protein change: p.Leu396His; replaces leucine 396 with histidine.
Molecular consequence: missense variant.
Genome position (GRCh38, 1-based): chr2:47,799,170, T>A. VCF-style: chr2-47799170-T-A. GRCh37 (hg19) VCF-style: chr2-48026309-T-A.
Other names: c.797T>A, p.Leu266His (NM_001281492.2); c.281T>A, p.Leu94His (NM_001281493.2, NM_001281494.2, NM_001406811.1 and 6 more transcripts); c.1283T>A, p.Leu428His (NM_001406795.1, NM_001406802.1); c.1187T>A, p.Leu396His (NM_001406796.1, NM_001406798.1, NM_001406800.1 and 4 more transcripts); c.890T>A, p.Leu297His (NM_001406797.1, NM_001406801.1, NM_001406805.1 and 10 more transcripts); c.662T>A, p.Leu221His (NM_001406799.1, NM_001406806.1, NM_001406807.1); c.1109T>A, p.Leu370His (NM_001406804.1); c.1193T>A, p.Leu398His (NM_001406813.1); and 1 more; short protein forms L396H, L398H, L428H, L221H, L297H, L340H, L94H, L370H.
Identifiers: ClinVar variation 1743824 (VCV001743824.4), dbSNP rs2530595675, ClinGen allele CA346742403.

ClinVar aggregate classification (germline): Uncertain significance. Review status: criteria provided, multiple submitters, no conflicts (2 of 4 stars). 2 submissions from 2 submitters: Uncertain significance (2). Last evaluated 2024-10-21.

Conditions:
Hereditary nonpolyposis colorectal neoplasms. Identifiers: MedGen C0009405, MeSH D003123.
Hereditary cancer-predisposing syndrome. Also called: Hereditary Cancer Syndrome; Neoplastic Syndromes, Hereditary; Tumor predisposition; Hereditary neoplastic syndrome. Identifiers: Orphanet 140162, MedGen C0027672, MeSH D009386, MONDO:0015356.

Submissions (2):

Labcorp Genetics (formerly Invitae), Labcorp
Classification: Uncertain significance for Hereditary nonpolyposis colorectal neoplasms. Last evaluated: 2024-10-21. Review status: criteria provided, single submitter. Criteria: Invitae Variant Classification Sherloc (09022015). Collection method: clinical testing. Allele origin: germline.
Comment: This sequence change replaces leucine, which is neutral and non-polar, with histidine, which is basic and polar, at codon 396 of the MSH6 protein (p.Leu396His). This variant is not present in population databases (gnomAD no frequency). This variant has not been reported in the literature in individuals affected with MSH6-related conditions. ClinVar contains an entry for this variant (Variation ID: 1743824). Invitae Evidence Modeling of protein sequence and biophysical properties (such as structural, functional, and spatial information, amino acid conservation, physicochemical variation, residue mobility, and thermodynamic stability) indicates that this missense variant is expected to disrupt MSH6 protein function with a positive predictive value of 95%. In summary, the available evidence is currently insufficient to determine the role of this variant in disease. Therefore, it has been classified as a Variant of Uncertain Significance.

Ambry Genetics
Classification: Uncertain significance for Hereditary cancer-predisposing syndrome. Last evaluated: 2022-06-16. Review status: criteria provided, single submitter. Criteria: Ambry Variant Classification Scheme 2023. Collection method: clinical testing. Allele origin: germline.
Comment: The p.L396H variant (also known as c.1187T>A), located in coding exon 4 of the MSH6 gene, results from a T to A substitution at nucleotide position 1187. The leucine at codon 396 is replaced by histidine, an amino acid with similar properties. This amino acid position is conserved. In addition, this alteration is predicted to be deleterious by in silico analysis. Since supporting evidence is limited at this time, the clinical significance of this alteration remains unclear.